The following is an entry in ClinVar:

ClinVar aggregate classification (germline): Uncertain significance. Review status: criteria provided, multiple submitters, no conflicts (2 of 4 stars). 2 submissions from 2 submitters: Uncertain significance (2). Last evaluated 2025-12-03.

Conditions:
Dystonic disorder. Also called: Dystonia. Identifiers: MedGen C0013421, MONDO:0003441, HP:0001332.

gnomAD v4.1: 1 of 1,613,112 alleles (0.000062%); highest among the groups gnomAD compares: Non-Finnish European, 0.000085%; no homozygotes.

Submissions (2):

Labcorp Genetics (formerly Invitae), Labcorp
Classification: Uncertain significance for Dystonic disorder. Last evaluated: 2025-12-03. Review status: criteria provided, single submitter. Criteria: Invitae Variant Classification Sherloc (09022015). Collection method: clinical testing. Allele origin: germline.
Comment: This sequence change falls in intron 17 of the ANO3 gene. It does not directly change the encoded amino acid sequence of the ANO3 protein. It affects a nucleotide within the consensus splice site. This variant is not present in population databases (gnomAD no frequency). This variant has not been reported in the literature in individuals affected with ANO3-related conditions. Variants that disrupt the consensus splice site are a relatively common cause of aberrant splicing (PMID: 17576681, 9536098). Algorithms developed to predict the effect of sequence changes on RNA splicing suggest that this variant may disrupt the consensus splice site. In summary, the available evidence is currently insufficient to determine the role of this variant in disease. Therefore, it has been classified as a Variant of Uncertain Significance.

Mayo Clinic Laboratories, Mayo Clinic
Classification: Uncertain significance. Last evaluated: 2025-11-28. Review status: criteria provided, single submitter. Criteria: ACMG Guidelines, 2015. Collection method: clinical testing. Allele origin: germline. Observed: 1 variant allele.

Literature cited by the submitters: PubMed 17576681 (cited by Labcorp Genetics (formerly Invitae), Labcorp); PubMed 9536098 (cited by Labcorp Genetics (formerly Invitae), Labcorp).

NM_031418.4(ANO3):c.1836+4A>C

Gene: ANO3 (anoctamin 3; plus strand). Cytogenetic location: 11p14.2.
Variant type: single nucleotide variant.
Coding change: c.1836+4A>C on transcript NM_031418.4 (MANE Select); 4 bases into the intron after coding-DNA position 1836, A replaced by C.
Molecular consequence: intron variant.
Genome position (GRCh38, 1-based): chr11:26,599,718, A>C. VCF-style: chr11-26599718-A-C. GRCh37 (hg19) VCF-style: chr11-26621265-A-C.
Other names: p.?; c.2019+4A>C (NM_001313726.2); c.1398+4A>C (NM_001313727.2).
Identifiers: ClinVar variation 4541611 (VCV004541611.2).